The following is an entry in ClinVar:

NM_000435.3(NOTCH3):c.2280C>T (p.Cys760=)

Gene: NOTCH3 (notch receptor 3; minus strand). Cytogenetic location: 19p13.12.
Variant type: single nucleotide variant.
Coding change: c.2280C>T on transcript NM_000435.3 (MANE Select); coding-DNA position 2280, C replaced by T.
Protein change: p.Cys760=; no amino-acid change (cysteine 760 retained).
Molecular consequence: synonymous variant.
Genome position (GRCh38, 1-based): chr19:15,185,273, G>A on the plus strand (C>T on the coding strand, the complement: NOTCH3 is on the minus strand). VCF-style: chr19-15185273-G-A. GRCh37 (hg19) VCF-style: chr19-15296084-G-A.
Identifiers: ClinVar variation 890312 (VCV000890312.5), dbSNP rs754147124, ClinGen allele CA9263399.

ClinVar aggregate classification (germline): Likely benign. Review status: criteria provided, multiple submitters, no conflicts (2 of 4 stars). 2 submissions from 2 submitters: Likely benign (2). Last evaluated 2023-06-09.

Conditions:
Cerebral arteriopathy, autosomal dominant, with subcortical infarcts and leukoencephalopathy, type 1 (CADASIL1). Also called: DEMENTIA, HEREDITARY MULTIINFARCT TYPE; CADASIL 1; CASIL; Cerebral arteriopathy with subcortical infarcts and leukoencephalopathy 1. Identifiers: Orphanet 136, MedGen C4551768, MONDO:0000914, OMIM 125310.

Allele frequency attached by ClinVar (database versions not stated): gnomAD exomes 0.00002 and 0.00005; ExAC 0.00003; gnomAD 0.00005; TOPMed 0.00006.
gnomAD v4.1: 81 of 1,613,100 alleles (0.005%); highest among the groups gnomAD compares: Admixed American, 0.0083%; no homozygotes.

Submissions (2):

Blueprint Genetics
Classification: Likely benign. Last evaluated: 2023-06-09. Review status: criteria provided, single submitter. Criteria: ACMG Guidelines, 2015. Collection method: clinical testing. Allele origin: germline.

Illumina Laboratory Services, Illumina
Classification: Likely benign for Cerebral arteriopathy, autosomal dominant, with subcortical infarcts and leukoencephalopathy, type 1. Last evaluated: 2017-11-14. Review status: criteria provided, single submitter. Criteria: ICSL Variant Classification Criteria 13 December 2019. Collection method: clinical testing. Allele origin: germline.
Comment: This variant was observed as part of a predisposition screen in an ostensibly healthy population. A literature search was performed for the gene, cDNA change, and amino acid change (where applicable). No publications were found based on this search. Allele frequency data from public databases allowed determination this variant is unlikely to cause disease. Therefore, this variant is classified as likely benign.